The following is an entry in ClinVar:

NM_001352514.2(HLCS):c.1151T>C (p.Leu384Pro)

Gene: HLCS (holocarboxylase synthetase; minus strand). Cytogenetic location: 21q22.13.
Variant type: single nucleotide variant.
Coding change: c.1151T>C on transcript NM_001352514.2 (MANE Select); coding-DNA position 1151, T replaced by C.
Protein change: p.Leu384Pro; replaces leucine 384 with proline.
Molecular consequence: missense variant. On other transcripts: non-coding transcript variant (2).
Genome position (GRCh38, 1-based): chr21:36,936,735, A>G on the plus strand (T>C on the coding strand, the complement: HLCS is on the minus strand). VCF-style: chr21-36936735-A-G. GRCh37 (hg19) VCF-style: chr21-38309035-A-G.
Other names: c.710T>C, p.Leu237Pro (NM_000411.8, NM_001242784.3, NM_001242785.2 and 4 more transcripts); short protein forms L237P, L384P.
Identifiers: ClinVar variation 1907 (VCV000001907.6), dbSNP rs119103227, ClinGen allele CA278018.

ClinVar aggregate classification (germline): Pathogenic. Review status: criteria provided, single submitter (1 of 4 stars). 3 submissions from 3 submitters: Pathogenic (1). 2 of the submissions do not count toward it. Last evaluated 2023-07-26.

Conditions:
Holocarboxylase synthetase deficiency. Also called: MULTIPLE CARBOXYLASE DEFICIENCY, EARLY ONSET. Identifiers: Orphanet 79242, MedGen C0268581, MONDO:0009666, OMIM 253270.

Allele frequency attached by ClinVar (database versions not stated): gnomAD exomes 0.00001.
gnomAD v4.1: 3 of 1,614,236 alleles (0.00019%); highest among the groups gnomAD compares: East Asian, 0.0067%; no homozygotes.

Submissions (3):

Women's Health and Genetics/Laboratory Corporation of America, LabCorp
Classification: Pathogenic for Holocarboxylase synthetase deficiency. Last evaluated: 2023-07-26. Review status: criteria provided, single submitter. Criteria: LabCorp Variant Classification Summary - May 2015. Collection method: clinical testing. Allele origin: germline.
Comment: Variant summary: HLCS c.710T>C (p.Leu237Pro) results in a non-conservative amino acid change in the encoded protein sequence. Five of five in-silico tools predict a damaging effect of the variant on protein function. The variant was absent in 251258 control chromosomes in the gnomAD database, and found at a frequency of 0.0004 in 2420 control chromosomes in the Japanese population (HGVD-Kyoto). c.710T>C has been reported in the literature in homozygous and compound heterozygous individuals affected with Holocarboxylase Synthetase Deficiency, often with neonatal onset (e.g. Aoki_1995, Yang_2001). These data indicate that the variant is very likely to be associated with disease. At least one publication reports experimental evidence evaluating an impact on protein function. The most pronounced variant effect results in <10% of normal Holocarboxylase Synthetase (HCS) activity in homozygous patient fibroblast cells (e.g. Aoki_1995). The following publications have been ascertained in the context of this evaluation (PMID: 8541348, 11735028). One submitter has cited clinical-significance assessments for this variant to ClinVar after 2014 and has classified the variant as likely pathogenic. Based on the evidence outlined above, the variant was classified as pathogenic.

Counsyl
Classification: Likely pathogenic for Holocarboxylase synthetase deficiency. Last evaluated: 2016-07-22. Review status: no assertion criteria provided. Collection method: clinical testing. Allele origin: unknown. Not counted in ClinVar's aggregate classification.

OMIM
Classification: Pathogenic for HOLOCARBOXYLASE SYNTHETASE DEFICIENCY. Last evaluated: 1994-10-01. Review status: no assertion criteria provided. Collection method: literature only. Allele origin: germline. Not counted in ClinVar's aggregate classification.

Literature cited by the submitters: PubMed 11735028 (cited by Women's Health and Genetics/Laboratory Corporation of America, LabCorp and Counsyl); PubMed 8541348 (cited by Women's Health and Genetics/Laboratory Corporation of America, LabCorp and Counsyl); PubMed 7842009 (cited by Counsyl and OMIM); PubMed 21894551 (cited by Counsyl).